The following is an entry in ClinVar:

ClinVar aggregate classification (germline): Benign. Review status: criteria provided, multiple submitters, no conflicts (2 of 4 stars). 2 submissions from 2 submitters: Benign (2). Last evaluated 2013-12-19.

Allele frequency attached by ClinVar (database versions not stated): 1000 Genomes Project 0.06769; gnomAD exomes 0.05240 and 0.05901; gnomAD 0.06200; TOPMed 0.06922; 1000 Genomes Project 30x 0.07074.

Submissions (2):

GeneDx
Classification: Benign. Last evaluated: 2013-12-19. Review status: criteria provided, single submitter. Criteria: GeneDx Variant Classification (06012015). Collection method: clinical testing. Allele origin: germline. Affected: yes.
Comment: This variant is considered likely benign or benign based on one or more of the following criteria: it is a conservative change, it occurs at a poorly conserved position in the protein, it is predicted to be benign by multiple in silico algorithms, and/or has population frequency not consistent with disease.

Breakthrough Genomics
Classification: Benign. Review status: criteria provided, single submitter. Criteria: ACMG Guidelines, 2015. Collection method: not provided. Allele origin: germline. Inheritance: Autosomal recessive inheritance. Affected: yes.

NM_006059.3(LAMC3):c.-42C>G

Gene: LAMC3 (laminin subunit gamma 3; plus strand). Cytogenetic location: 9q34.12.
Variant type: single nucleotide variant.
Coding change: c.-42C>G on transcript NM_006059.3; 42 bases upstream of the start codon, C replaced by G.
Genome position (GRCh38, 1-based): chr9:131,009,173, C>G. VCF-style: chr9-131009173-C-G. GRCh37 (hg19) VCF-style: chr9-133884560-C-G.
Identifiers: ClinVar variation 138070 (VCV000138070.4), dbSNP rs112101828, ClinGen allele CA291866.